The following is an entry in ClinVar:

ClinVar aggregate classification (germline): Uncertain significance (1 of 4 stars; one submission).

Conditions:
Cardiomyopathy (CMYO). Also called: Cardiomyopathies. Identifiers: Orphanet 167848, MedGen C0878544, MONDO:0004994, HP:0001638. Inheritance: Various modes of inheritance.

Submission:

Color Diagnostics, LLC DBA Color Health
Classification: Uncertain significance for Cardiomyopathy. Last evaluated: 2021-10-01. Review status: criteria provided, single submitter. Criteria: ACMG Guidelines, 2015. Collection method: clinical testing. Allele origin: germline.
Comment: This variant causes a C to G nucleotide substitution at the -3 position of intron 19 of the MYBPC3 gene. Splice site prediction tools predict that this variant may have a significant impact on RNA splicing. However, this prediction has not been confirmed in published RNA studies. This variant has not been reported in individuals affected with cardiovascular disorders in the literature. This variant has not been identified in the general population by the Genome Aggregation Database (gnomAD). The available evidence is insufficient to determine the role of this variant in disease conclusively. Therefore, this variant is classified as a Variant of Uncertain Significance.

NM_000256.3(MYBPC3):c.1898-3C>G

Gene: MYBPC3 (myosin binding protein C3; minus strand). Cytogenetic location: 11p11.2.
Variant type: single nucleotide variant.
Coding change: c.1898-3C>G on transcript NM_000256.3 (MANE Select); 3 bases into the intron before coding-DNA position 1898, C replaced by G.
Molecular consequence: intron variant.
Genome position (GRCh38, 1-based): chr11:47,341,035, G>C on the plus strand (C>G on the coding strand, the complement: MYBPC3 is on the minus strand). VCF-style: chr11-47341035-G-C. GRCh37 (hg19) VCF-style: chr11-47362586-G-C.
Identifiers: ClinVar variation 2773731 (VCV002773731.2), dbSNP rs2495759210, ClinGen allele CA2697548573.